The following is an entry in ClinVar:

NM_000051.4(ATM):c.7517G>A (p.Arg2506Lys)

Genes: C11orf65 (chromosome 11 open reading frame 65; minus strand), ATM (ATM serine/threonine kinase; plus strand). Cytogenetic location: 11q22.3.
Variant type: single nucleotide variant.
Coding change: c.7517G>A on transcript NM_000051.4 (MANE Select); coding-DNA position 7517, G replaced by A.
Protein change: p.Arg2506Lys; replaces arginine 2506 with lysine.
Molecular consequence: missense variant. On other transcripts: non-coding transcript variant (1), intron variant (2).
Genome position (GRCh38, 1-based): chr11:108,331,445, G>A. VCF-style: chr11-108331445-G-A. GRCh37 (hg19) VCF-style: chr11-108202172-G-A.
Other names: c.7517G>A, p.Arg2506Lys (NM_001351834.2); c.641-22374C>T (NM_001330368.2); c.*38+3775C>T (NM_001351110.2); short protein forms R2506K.
Identifiers: ClinVar variation 453691 (VCV000453691.11), dbSNP rs1555123920, ClinGen allele CA382560632.

ClinVar aggregate classification (germline): Uncertain significance (1 of 4 stars; one submission).

Conditions:
Ataxia-telangiectasia syndrome (AT). Also called: LOUIS-BAR SYNDROME; Cerebello-oculocutaneous telangiectasia; Immunodeficiency with ataxia telangiectasia; Ataxia-telangiectasia, complementation group D; AT, COMPLEMENTATION GROUP C; Ataxia-telangiectasia, complementation group E. Identifiers: Orphanet 100, MedGen C0004135, MONDO:0008840, OMIM 208900.

Allele frequency attached by ClinVar (database versions not stated): gnomAD exomes below 0.00001.
gnomAD v4.1: 3 of 1,612,566 alleles (0.00019%); highest among the groups gnomAD compares: Non-Finnish European, 0.00017%; no homozygotes.

Submission:

Labcorp Genetics (formerly Invitae), Labcorp
Classification: Uncertain significance for Ataxia-telangiectasia syndrome. Last evaluated: 2022-10-20. Review status: criteria provided, single submitter. Criteria: Invitae Variant Classification Sherloc (09022015). Collection method: clinical testing. Allele origin: germline.
Comment: In summary, the available evidence is currently insufficient to determine the role of this variant in disease. Therefore, it has been classified as a Variant of Uncertain Significance. Algorithms developed to predict the effect of sequence changes on RNA splicing suggest that this variant may create or strengthen a splice site. Algorithms developed to predict the effect of missense changes on protein structure and function output the following: SIFT: "Tolerated"; PolyPhen-2: "Benign"; Align-GVGD: "Class C0". The lysine amino acid residue is found in multiple mammalian species, which suggests that this missense change does not adversely affect protein function. ClinVar contains an entry for this variant (Variation ID: 453691). This variant has not been reported in the literature in individuals affected with ATM-related conditions. This variant is not present in population databases (gnomAD no frequency). This sequence change replaces arginine, which is basic and polar, with lysine, which is basic and polar, at codon 2506 of the ATM protein (p.Arg2506Lys).